The following is an entry in ClinVar:

ClinVar aggregate classification (germline): Uncertain significance (1 of 4 stars; one submission).

Conditions:
UNC13A-related disorder. Also called: UNC13A-related condition.

Allele frequency attached by ClinVar (database versions not stated): TOPMed below 0.00001; gnomAD 0.00001; gnomAD exomes 0.00001.
gnomAD v4.1: 14 of 1,563,370 alleles (0.0009%); highest among the groups gnomAD compares: Admixed American, 0.0019%; no homozygotes.

Submission:

PreventionGenetics, part of Exact Sciences
Classification: Uncertain significance for UNC13A-related condition. Last evaluated: 2023-01-06. Review status: criteria provided, single submitter. Criteria: ACMG Guidelines, 2015. Collection method: clinical testing. Allele origin: germline.
Comment: The UNC13A c.3886G>A variant is predicted to result in the amino acid substitution p.Val1296Ile. To our knowledge, this variant has not been reported in the literature. This variant is reported in 0.0011% of alleles in individuals of European (Non-Finnish) descent in gnomAD. At this time, the clinical significance of this variant is uncertain due to the absence of conclusive functional and genetic evidence.

NM_001080421.3(UNC13A):c.3886G>A (p.Val1296Ile)

Gene: UNC13A (unc-13 homolog A; minus strand). Cytogenetic location: 19p13.11.
Variant type: single nucleotide variant.
Coding change: c.3886G>A on transcript NM_001080421.3 (MANE Select); coding-DNA position 3886, G replaced by A.
Protein change: p.Val1296Ile; replaces valine 1296 with isoleucine.
Molecular consequence: missense variant.
Genome position (GRCh38, 1-based): chr19:17,627,543, C>T on the plus strand (G>A on the coding strand, the complement: UNC13A is on the minus strand). VCF-style: chr19-17627543-C-T. GRCh37 (hg19) VCF-style: chr19-17738352-C-T.
Other names: c.3880G>A, p.Val1294Ile (NM_001387021.1, NM_001387023.1); c.3877G>A, p.Val1293Ile (NM_001387022.1); short protein forms V1293I, V1294I, V1296I.
Identifiers: ClinVar variation 2629284 (VCV002629284.1), dbSNP rs1470946695, ClinGen allele CA404697764.